The following is an entry in ClinVar:

NM_000094.4(COL7A1):c.8426T>C (p.Ile2809Thr)

Gene: COL7A1 (collagen type VII alpha 1 chain; minus strand). Cytogenetic location: 3p21.31.
Variant type: single nucleotide variant.
Coding change: c.8426T>C on transcript NM_000094.4 (MANE Select); coding-DNA position 8426, T replaced by C.
Protein change: p.Ile2809Thr; replaces isoleucine 2809 with threonine.
Molecular consequence: missense variant.
Genome position (GRCh38, 1-based): chr3:48,565,650, A>G on the plus strand (T>C on the coding strand, the complement: COL7A1 is on the minus strand). VCF-style: chr3-48565650-A-G. GRCh37 (hg19) VCF-style: chr3-48603083-A-G.
Other names: short protein forms I2809T.
Identifiers: ClinVar variation 4754048 (VCV004754048.2).
Genomic context (GRCh38, chr3:48,565,650, plus strand): 5'-GCAGGGCCTGGGGTGAAGAAAGTTCTGGGAGTAGAAAACTACTCACGTGATCCAGATGCG[A>G]TGAACTGGCCCTGGCAGGCTAGAGGGGGCAGAGAGGGATAGAGAGACAATGACAGAGAGA-3'
Protein context (NP_000085.1, residues 2799-2819): SQHCACQGQF[Ile2809Thr]ASGSRPLPSY

ClinVar aggregate classification (germline): Uncertain significance. Review status: criteria provided, multiple submitters, no conflicts (2 of 4 stars). 2 submissions from 2 submitters: Uncertain significance (2). Last evaluated 2026-09-10.

Conditions:
Inborn genetic diseases. Identifiers: MedGen C0950123, MeSH D030342.

gnomAD v4.1: 12 of 1,613,814 alleles (0.00074%); highest among the groups gnomAD compares: Non-Finnish European, 0.001%; no homozygotes.

Submissions (2):

Ambry Genetics
Classification: Uncertain significance for Inborn genetic diseases. Last evaluated: 2026-09-10. Review status: criteria provided, single submitter. Criteria: Ambry Variant Classification Scheme 2023. Collection method: clinical testing. Allele origin: germline.
Comment: The c.8426T>C (p.I2809T) alteration is located in exon 114 (coding exon 114) of the COL7A1 gene. This alteration results from a T to C substitution at nucleotide position 8426, causing the isoleucine (I) at amino acid position 2809 to be replaced by a threonine (T). Based on data from gnomAD, the C allele has an overall frequency of <0.001% (1/249842) total alleles studied. The highest observed frequency was 0.001% (1/112694) of European (non-Finnish) alleles. Based on insufficient or conflicting evidence, the clinical significance of this alteration remains unclear.

Labcorp Genetics (formerly Invitae), Labcorp
Classification: Uncertain significance. Last evaluated: 2025-11-05. Review status: criteria provided, single submitter. Criteria: Invitae Variant Classification Sherloc (09022015). Collection method: clinical testing. Allele origin: germline.
Comment: This sequence change replaces isoleucine, which is neutral and non-polar, with threonine, which is neutral and polar, at codon 2809 of the COL7A1 protein (p.Ile2809Thr). The frequency data for this variant in the population databases is considered unreliable, as metrics indicate poor data quality at this position in the gnomAD database. This variant has not been reported in the literature in individuals affected with COL7A1-related conditions. Invitae Evidence Modeling of protein sequence and biophysical properties (such as structural, functional, and spatial information, amino acid conservation, physicochemical variation, residue mobility, and thermodynamic stability) indicates that this missense variant is not expected to disrupt COL7A1 protein function with a negative predictive value of 95%. In summary, the available evidence is currently insufficient to determine the role of this variant in disease. Therefore, it has been classified as a Variant of Uncertain Significance.